The following is an entry in ClinVar:

ClinVar aggregate classification (germline): Uncertain significance. Review status: criteria provided, multiple submitters, no conflicts (2 of 4 stars). 2 submissions from 2 submitters: Uncertain significance (2). Last evaluated 2025-03-15.

Conditions:
Inborn genetic diseases. Identifiers: MedGen C0950123, MeSH D030342.

Allele frequency attached by ClinVar (database versions not stated): TOPMed 0.00003; gnomAD 0.00001; ExAC 0.00002.
gnomAD v4.1: 45 of 1,613,366 alleles (0.0028%); highest among the groups gnomAD compares: Middle Eastern, 0.049%; no homozygotes.

Submissions (2):

Ambry Genetics
Classification: Uncertain significance for Inborn genetic diseases. Last evaluated: 2025-03-15. Review status: criteria provided, single submitter. Criteria: Ambry Variant Classification Scheme 2023. Collection method: clinical testing. Allele origin: germline.

Labcorp Genetics (formerly Invitae), Labcorp
Classification: Uncertain significance. Last evaluated: 2022-07-01. Review status: criteria provided, single submitter. Criteria: Invitae Variant Classification Sherloc (09022015). Collection method: clinical testing. Allele origin: germline.
Comment: This sequence change replaces glutamic acid, which is acidic and polar, with lysine, which is basic and polar, at codon 148 of the DNAJC12 protein (p.Glu148Lys). This variant is present in population databases (rs747579013, gnomAD 0.02%). This variant has not been reported in the literature in individuals affected with DNAJC12-related conditions. Algorithms developed to predict the effect of missense changes on protein structure and function output the following: SIFT: "Tolerated"; PolyPhen-2: "Benign"; Align-GVGD: "Class C0". The lysine amino acid residue is found in multiple mammalian species, which suggests that this missense change does not adversely affect protein function. In summary, the available evidence is currently insufficient to determine the role of this variant in disease. Therefore, it has been classified as a Variant of Uncertain Significance.

NM_021800.3(DNAJC12):c.442G>A (p.Glu148Lys)

Gene: DNAJC12 (DnaJ heat shock protein family (Hsp40) member C12; minus strand). Cytogenetic location: 10q21.3.
Variant type: single nucleotide variant.
Coding change: c.442G>A on transcript NM_021800.3 (MANE Select); coding-DNA position 442, G replaced by A.
Protein change: p.Glu148Lys; replaces glutamic acid 148 with lysine.
Molecular consequence: missense variant.
Genome position (GRCh38, 1-based): chr10:67,805,643, C>T on the plus strand (G>A on the coding strand, the complement: DNAJC12 is on the minus strand). VCF-style: chr10-67805643-C-T. GRCh37 (hg19) VCF-style: chr10-69565401-C-T.
Other names: short protein forms E148K.
Identifiers: ClinVar variation 1925207 (VCV001925207.4), dbSNP rs747579013, ClinGen allele CA5520805.